The following is an entry in ClinVar:

NM_172362.3(KCNH1):c.1711C>G (p.Leu571Val)

Gene: KCNH1 (potassium voltage-gated channel subfamily H member 1; minus strand). Cytogenetic location: 1q32.2.
Variant type: single nucleotide variant.
Coding change: c.1711C>G on transcript NM_172362.3 (MANE Select); coding-DNA position 1711, C replaced by G.
Protein change: p.Leu571Val; replaces leucine 571 with valine.
Molecular consequence: missense variant.
Genome position (GRCh38, 1-based): chr1:210,797,712, G>C on the plus strand (C>G on the coding strand, the complement: KCNH1 is on the minus strand). VCF-style: chr1-210797712-G-C. GRCh37 (hg19) VCF-style: chr1-210971054-G-C.
Other names: c.1630C>G, p.Leu544Val (NM_002238.4); short protein forms L544V, L571V.
Identifiers: ClinVar variation 4537527 (VCV004537527.1).

ClinVar aggregate classification (germline): Uncertain significance (1 of 4 stars; one submission).

Submission:

GeneDx
Classification: Uncertain significance. Last evaluated: 2025-06-11. Review status: criteria provided, single submitter. Criteria: GeneDx Variant Classification Process June 2021. Collection method: clinical testing. Allele origin: germline. Affected: yes.
Comment: Not observed at significant frequency in large population cohorts (gnomAD); In silico analysis supports that this missense variant has a deleterious effect on protein structure/function; Has not been previously published as pathogenic or benign to our knowledge